The following is an entry in ClinVar:

NM_006118.4(HAX1):c.139G>T (p.Gly47Trp)

Gene: HAX1 (HCLS1 associated protein X-1; plus strand). Cytogenetic location: 1q21.3.
Variant type: single nucleotide variant.
Coding change: c.139G>T on transcript NM_006118.4 (MANE Select); coding-DNA position 139, G replaced by T.
Protein change: p.Gly47Trp; replaces glycine 47 with tryptophan.
Molecular consequence: missense variant. On other transcripts: intron variant (1).
Genome position (GRCh38, 1-based): chr1:154,273,421, G>T. VCF-style: chr1-154273421-G-T. GRCh37 (hg19) VCF-style: chr1-154245897-G-T.
Other names: c.54-59G>T (NM_001018837.2); short protein forms G47W.
Identifiers: ClinVar variation 4269057 (VCV004269057.1).
Genomic context (GRCh38, chr1:154,273,421, plus strand): 5'-ATGACTCGAGATGAAGATGATGATGAGGAAGAAGAAGAAGAAGGGGGCTCATGGGGCCGT[G>T]GGAACCCAAGGTTCCATAGTCCTCAGCACCCCCCTGAGGAATTTGGCTTCGGCTTCAGCT-3'
Protein context (NP_006109.2, residues 37-57): EEEEGGSWGR[Gly47Trp]NPRFHSPQHP

ClinVar aggregate classification (germline): Uncertain significance (1 of 4 stars; one submission).

Conditions:
Inborn genetic diseases. Identifiers: MedGen C0950123, MeSH D030342.

Submission:

Ambry Genetics
Classification: Uncertain significance for Inborn genetic diseases. Last evaluated: 2025-08-29. Review status: criteria provided, single submitter. Criteria: Ambry Variant Classification Scheme 2023. Collection method: clinical testing. Allele origin: germline.
Comment: The p.G47W variant (also known as c.139G>T), located in coding exon 2 of the HAX1 gene, results from a G to T substitution at nucleotide position 139. The glycine at codon 47 is replaced by tryptophan, an amino acid with highly dissimilar properties. This amino acid position is conserved. In addition, this alteration is predicted to be tolerated by in silico analysis. Based on the available evidence, the clinical significance of this variant remains unclear.